The following is an entry in ClinVar:

NM_021098.3(CACNA1H):c.1567CAC[8] (p.His528_Tyr529insHisHis)

Gene: CACNA1H (calcium voltage-gated channel subunit alpha1 H; plus strand). Cytogenetic location: 16p13.3.
Variant type: Microsatellite.
Coding change: c.1567CAC[8] on transcript NM_021098.3 (MANE Select); eight copies in a row of the 3-base unit CAC starting at c.1567; the reference has six copies in a row; two copies, 6 bases duplicated.
Protein change: p.His528_Tyr529insHisHis.
Molecular consequence: inframe insertion.
Genome position (GRCh38, 1-based): chr16:1,202,029-1,202,034, CACCAC duplicated; duplicating any 6 consecutive bases within chr16:1,202,017-1,202,034 gives the same sequence; the position shown is the placement nearest the transcript's 3' end. VCF-style (leftmost placement, unchanged base first): chr16-1202016-T-TCACCAC. GRCh37 (hg19) VCF-style: chr16-1252016-T-TCACCAC.
Other names: c.1567CAC[8], p.His528_Tyr529insHisHis (NM_001005407.2).
Identifiers: ClinVar variation 3762857 (VCV003762857.2).

ClinVar aggregate classification (germline): Uncertain significance (1 of 4 stars; one submission).

Conditions:
Idiopathic generalized epilepsy. Also called: EIG; Generalised epilepsy. Identifiers: MedGen C0270850, MONDO:0005579, OMIM 600669.
Hyperaldosteronism, familial, type IV (HALD4). Also called: FH IV; ALDOSTERONISM, PRIMARY, AND HYPERTENSION. Identifiers: Orphanet 642671, MedGen C4310756, MONDO:0014875, OMIM 617027.

Submission:

Labcorp Genetics (formerly Invitae), Labcorp
Classification: Uncertain significance for Idiopathic generalized epilepsy; Hyperaldosteronism, familial, type IV. Last evaluated: 2024-06-29. Review status: criteria provided, single submitter. Criteria: Invitae Variant Classification Sherloc (09022015). Collection method: clinical testing. Allele origin: germline.
Comment: This variant, c.1579_1584dup, results in the insertion of 2 amino acid(s) of the CACNA1H protein (p.His527_His528dup), but otherwise preserves the integrity of the reading frame. This variant is present in population databases (no rsID available, gnomAD 0.02%). This variant has not been reported in the literature in individuals affected with CACNA1H-related conditions. In summary, the available evidence is currently insufficient to determine the role of this variant in disease. Therefore, it has been classified as a Variant of Uncertain Significance.